The following is an entry in ClinVar:

NM_014159.7(SETD2):c.7187A>G (p.Lys2396Arg)

Gene: SETD2 (SET domain containing 2, histone lysine methyltransferase; minus strand). Cytogenetic location: 3p21.31.
Variant type: single nucleotide variant.
Coding change: c.7187A>G on transcript NM_014159.7 (MANE Select); coding-DNA position 7187, A replaced by G.
Protein change: p.Lys2396Arg; replaces lysine 2396 with arginine.
Molecular consequence: missense variant. On other transcripts: non-coding transcript variant (1).
Genome position (GRCh38, 1-based): chr3:47,042,612, T>C on the plus strand (A>G on the coding strand, the complement: SETD2 is on the minus strand). VCF-style: chr3-47042612-T-C. GRCh37 (hg19) VCF-style: chr3-47084102-T-C.
Other names: c.7055A>G, p.Lys2352Arg (NM_001349370.3); short protein forms K2352R, K2396R.
Identifiers: ClinVar variation 1010691 (VCV001010691.5), dbSNP rs1200573511, ClinGen allele CA352514192.

ClinVar aggregate classification (germline): Uncertain significance (1 of 4 stars; one submission).

Conditions:
Luscan-Lumish syndrome. Identifiers: Orphanet 597738, MedGen C4085873, MONDO:0014791, OMIM 616831.

Allele frequency attached by ClinVar (database versions not stated): gnomAD 0.00001; TOPMed 0.00001.
gnomAD v4.1: 2 of 1,613,938 alleles (0.00012%); highest among the groups gnomAD compares: African/African-American, 0.0027%; no homozygotes.

Submission:

Labcorp Genetics (formerly Invitae), Labcorp
Classification: Uncertain significance for Luscan-Lumish syndrome. Last evaluated: 2020-10-19. Review status: criteria provided, single submitter. Criteria: Invitae Variant Classification Sherloc (09022015). Collection method: clinical testing. Allele origin: germline.
Comment: This sequence change replaces lysine with arginine at codon 2396 of the SETD2 protein (p.Lys2396Arg). The lysine residue is highly conserved and there is a small physicochemical difference between lysine and arginine. This variant is not present in population databases (ExAC no frequency). This variant has not been reported in the literature in individuals with SETD2-related conditions. Algorithms developed to predict the effect of missense changes on protein structure and function are either unavailable or do not agree on the potential impact of this missense change (SIFT: "Tolerated"; PolyPhen-2: "Possibly Damaging"; Align-GVGD: "Class C0"). Algorithms developed to predict the effect of sequence changes on RNA splicing suggest that this variant may create or strengthen a splice site, but this prediction has not been confirmed by published transcriptional studies. In summary, the available evidence is currently insufficient to determine the role of this variant in disease. Therefore, it has been classified as a Variant of Uncertain Significance.